The following is an entry in ClinVar:

NM_017662.5(TRPM6):c.5855C>G (p.Ala1952Gly)

Gene: TRPM6 (transient receptor potential cation channel subfamily M member 6; minus strand). Cytogenetic location: 9q21.13.
Variant type: single nucleotide variant.
Coding change: c.5855C>G on transcript NM_017662.5 (MANE Select); coding-DNA position 5855, C replaced by G.
Protein change: p.Ala1952Gly; replaces alanine 1952 with glycine.
Molecular consequence: missense variant.
Genome position (GRCh38, 1-based): chr9:74,728,319, G>C on the plus strand (C>G on the coding strand, the complement: TRPM6 is on the minus strand). VCF-style: chr9-74728319-G-C. GRCh37 (hg19) VCF-style: chr9-77343235-G-C.
Other names: c.5840C>G, p.Ala1947Gly (NM_001177310.2, NM_001177311.2); short protein forms A1947G, A1952G.
Identifiers: ClinVar variation 2010211 (VCV002010211.4), dbSNP rs1396571168, ClinGen allele CA373670396.

ClinVar aggregate classification (germline): Uncertain significance (1 of 4 stars; one submission).

Submission:

Labcorp Genetics (formerly Invitae), Labcorp
Classification: Uncertain significance. Last evaluated: 2021-12-19. Review status: criteria provided, single submitter. Criteria: Invitae Variant Classification Sherloc (09022015). Collection method: clinical testing. Allele origin: germline.
Comment: In summary, the available evidence is currently insufficient to determine the role of this variant in disease. Therefore, it has been classified as a Variant of Uncertain Significance. Algorithms developed to predict the effect of missense changes on protein structure and function are either unavailable or do not agree on the potential impact of this missense change (SIFT: "Tolerated"; PolyPhen-2: "Possibly Damaging"; Align-GVGD: "Class C0"). This variant has not been reported in the literature in individuals affected with TRPM6-related conditions. This variant is not present in population databases (gnomAD no frequency). This sequence change replaces alanine, which is neutral and non-polar, with glycine, which is neutral and non-polar, at codon 1952 of the TRPM6 protein (p.Ala1952Gly).